The following is an entry in ClinVar:

ClinVar aggregate classification (germline): Uncertain significance (1 of 4 stars; one submission).

Allele frequency attached by ClinVar (database versions not stated): TOPMed below 0.00001.

Submission:

Ambry Genetics
Classification: Uncertain significance. Last evaluated: 2020-12-28. Review status: criteria provided, single submitter. Criteria: Ambry Variant Classification Scheme 2023. Collection method: clinical testing. Allele origin: germline.
Comment: The c.457C>G (p.P153A) alteration is located in exon 5 (coding exon 4) of the IARS gene. This alteration results from a C to G substitution at nucleotide position 457, causing the proline (P) at amino acid position 153 to be replaced by an alanine (A). The p.P153A alteration is predicted to be tolerated by in silico analysis. Based on insufficient or conflicting evidence, the clinical significance of this alteration remains unclear.

NM_002161.6(IARS1):c.457C>G (p.Pro153Ala)

Gene: IARS1 (isoleucyl-tRNA synthetase 1; minus strand). Cytogenetic location: 9q22.31.
Variant type: single nucleotide variant.
Coding change: c.457C>G on transcript NM_002161.6 (MANE Select); coding-DNA position 457, C replaced by G.
Protein change: p.Pro153Ala; replaces proline 153 with alanine.
Molecular consequence: missense variant. On other transcripts: non-coding transcript variant (1).
Genome position (GRCh38, 1-based): chr9:92,286,558, G>C on the plus strand (C>G on the coding strand, the complement: IARS1 is on the minus strand). VCF-style: chr9-92286558-G-C. GRCh37 (hg19) VCF-style: chr9-95048840-G-C.
Other names: c.457C>G, p.Pro153Ala (NM_001374299.1, NM_001374300.1, NM_001374301.1 and 15 more transcripts); c.520C>G, p.Pro174Ala (NM_001378569.1); c.334C>G, p.Pro112Ala (NM_001378583.1); short protein forms P112A, P174A, P153A.
Identifiers: ClinVar variation 3107822 (VCV003107822.1), dbSNP rs1835497631, ClinGen allele CA373807959.